The following is an entry in ClinVar:

NM_000718.4(CACNA1B):c.4044C>T (p.Tyr1348=)

Gene: CACNA1B (calcium voltage-gated channel subunit alpha1 B; plus strand). Cytogenetic location: 9q34.3.
Variant type: single nucleotide variant.
Coding change: c.4044C>T on transcript NM_000718.4 (MANE Select); coding-DNA position 4044, C replaced by T.
Protein change: p.Tyr1348=; no amino-acid change (tyrosine 1348 retained).
Molecular consequence: synonymous variant.
Genome position (GRCh38, 1-based): chr9:138,057,807, C>T. VCF-style: chr9-138057807-C-T. GRCh37 (hg19) VCF-style: chr9-140952259-C-T.
Other names: c.4044C>T, p.Tyr1348= (NM_001243812.2).
Identifiers: ClinVar variation 754212 (VCV000754212.33), dbSNP rs200235820, ClinGen allele CA5376895.
Genomic context (GRCh38, chr9:138,057,807, plus strand): 5'-TTATGAGAAGGAGGAAGTGGAAGCTCAGCCCAGGCAGTGGAAGAAATACGACTTTCACTA[C>T]GACAATGTGCTCTGGGCTCTGCTGACGCTGTTCACAGTGTCCACGGGAGAAGGCTGGCCC-3'
Protein context (NP_000709.1, residues 1338-1358): PRQWKKYDFH[Tyr1348=]DNVLWALLTL

ClinVar aggregate classification (germline): Likely benign. Review status: criteria provided, multiple submitters, no conflicts (2 of 4 stars). 4 submissions from 4 submitters: Likely benign (4). Last evaluated 2025-12-26.

Conditions:
CACNA1B-related disorder. Also called: CACNA1B-related condition.

Allele frequency attached by ClinVar (database versions not stated): ESP Exome Variant Server 0.00008; ExAC 0.00012; TOPMed 0.00012; gnomAD 0.00013 and 0.00014; gnomAD exomes 0.00017 and 0.00026.
gnomAD v4.1: 402 of 1,612,846 alleles (0.025%); highest among the groups gnomAD compares: Non-Finnish European, 0.032%; no homozygotes.

Submissions (4):

Labcorp Genetics (formerly Invitae), Labcorp
Classification: Likely benign. Last evaluated: 2025-12-26. Review status: criteria provided, single submitter. Criteria: Invitae Variant Classification Sherloc (09022015). Collection method: clinical testing. Allele origin: germline.

PreventionGenetics, part of Exact Sciences
Classification: Likely benign for CACNA1B-related condition. Last evaluated: 2025-09-16. Review status: criteria provided, single submitter. Criteria: ACMG Guidelines, 2015. Collection method: clinical testing. Allele origin: germline.
Comment: This variant is classified as likely benign based on ACMG/AMP sequence variant interpretation guidelines (Richards et al. 2015 PMID: 25741868, with internal and published modifications).

CeGaT Center for Human Genetics Tuebingen
Classification: Likely benign. Last evaluated: 2025-09-01. Review status: criteria provided, single submitter. Criteria: CeGaT Center For Human Genetics Tuebingen Variant Classification Criteria Version 2. Collection method: clinical testing. Allele origin: germline. Affected: yes. Observed: 2 variant alleles.
Comment: CACNA1B: BP4, BP7

Blueprint Genetics
Classification: Likely benign. Last evaluated: 2024-03-26. Review status: criteria provided, single submitter. Criteria: ACMG Guidelines, 2015. Collection method: clinical testing. Allele origin: germline.